The following is an entry in ClinVar:

ClinVar aggregate classification (germline): Likely benign. Review status: criteria provided, multiple submitters, no conflicts (2 of 4 stars). 3 submissions from 3 submitters: Likely benign (2). 1 of the submissions does not count toward it. Last evaluated 2024-11-25.

Conditions:
CUX2-related disorder. Also called: CUX2-related condition.

Submissions (3):

Blueprint Genetics
Classification: Likely benign. Last evaluated: 2024-11-25. Review status: criteria provided, single submitter. Criteria: ACMG Guidelines, 2015. Collection method: clinical testing. Allele origin: germline.

CeGaT Center for Human Genetics Tuebingen
Classification: Likely benign. Last evaluated: 2024-03-01. Review status: criteria provided, single submitter. Criteria: CeGaT Center For Human Genetics Tuebingen Variant Classification Criteria Version 2. Collection method: clinical testing. Allele origin: germline. Affected: yes. Observed: 1 variant allele.
Comment: CUX2: BP4, BP7

PreventionGenetics, part of Exact Sciences
Classification: Likely benign for CUX2-related condition. Last evaluated: 2019-08-29. Review status: no assertion criteria provided. Collection method: clinical testing. Allele origin: germline. Not counted in ClinVar's aggregate classification.
Comment: This variant is classified as likely benign based on ACMG/AMP sequence variant interpretation guidelines (Richards et al. 2015 PMID: 25741868, with internal and published modifications).

NM_015267.4(CUX2):c.3774G>C (p.Pro1258=)

Gene: CUX2 (cut like homeobox 2; plus strand). Cytogenetic location: 12q24.12.
Variant type: single nucleotide variant.
Coding change: c.3774G>C on transcript NM_015267.4 (MANE Select); coding-DNA position 3774, G replaced by C.
Protein change: p.Pro1258=; no amino-acid change (proline 1258 retained).
Molecular consequence: synonymous variant.
Genome position (GRCh38, 1-based): chr12:111,347,638, G>C. VCF-style: chr12-111347638-G-C. GRCh37 (hg19) VCF-style: chr12-111785442-G-C.
Other names: c.3588G>C, p.Pro1196= (NM_001370598.1).
Identifiers: ClinVar variation 3042934 (VCV003042934.23), dbSNP rs200919469, ClinGen allele CA481870266.